The following is an entry in ClinVar:

NM_003660.4(PPFIA3):c.1448T>C (p.Leu483Pro)

Gene: PPFIA3 (PPFI scaffold protein A3; plus strand). Cytogenetic location: 19q13.33.
Variant type: single nucleotide variant.
Coding change: c.1448T>C on transcript NM_003660.4 (MANE Select); coding-DNA position 1448, T replaced by C.
Protein change: p.Leu483Pro; replaces leucine 483 with proline.
Molecular consequence: missense variant. On other transcripts: non-coding transcript variant (1).
Genome position (GRCh38, 1-based): chr19:49,134,843, T>C. VCF-style: chr19-49134843-T-C. GRCh37 (hg19) VCF-style: chr19-49638100-T-C.
Other names: short protein forms L483P.
Identifiers: ClinVar variation 3898657 (VCV003898657.7).

ClinVar aggregate classification (germline): Uncertain significance (1 of 4 stars; one submission).

Submission:

CeGaT Center for Human Genetics Tuebingen
Classification: Uncertain significance. Last evaluated: 2025-04-01. Review status: criteria provided, single submitter. Criteria: CeGaT Center For Human Genetics Tuebingen Variant Classification Criteria Version 2. Collection method: clinical testing. Allele origin: germline. Affected: yes. Observed: 1 variant allele.
Comment: PPFIA3: PM2, PP2, PS2:Supporting